The following is an entry in ClinVar:

ClinVar aggregate classification (germline): Likely pathogenic. Review status: criteria provided, multiple submitters, no conflicts (2 of 4 stars). 2 submissions from 2 submitters: Likely pathogenic (2). Last evaluated 2024-08-20.

Conditions:
Alport syndrome. Also called: Hemorrhagic familial nephritis; Hemorrhagic hereditary nephritis; Congenital hereditary hematuria. Identifiers: Orphanet 63, MedGen C1567741, MONDO:0018965.
Autosomal dominant Alport syndrome (ATS3A). Also called: Alport syndrome dominant type; Renal failure and sensorineural hearing loss; ALPORT SYNDROME 3A, AUTOSOMAL DOMINANT. Identifiers: Orphanet 63, Orphanet 88918, MedGen C5882663, MONDO:0007086, OMIM 104200.
Hematuria, benign familial, 2 (BFH2). Identifiers: MedGen C5830421, MONDO:0958186, OMIM 620320.
Alport syndrome 3b, autosomal recessive. Identifiers: MedGen C5882699, MONDO:0957811, OMIM 620536.

gnomAD v4.1: 2 of 1,614,010 alleles (0.00012%); highest among the groups gnomAD compares: Non-Finnish European, 0.00017%; no homozygotes.

Submissions (2):

Natera, Inc.
Classification: Likely pathogenic for Alport syndrome. Last evaluated: 2024-08-20. Review status: criteria provided, single submitter. Criteria: Natera Variant Classification Schema (03/2026). Collection method: clinical testing. Allele origin: germline.
Comment: The c.1595G>A variant in COL4A3 is a missense variant predicted to cause substitution of glycine to aspartic acid at amino acid 532. This variant is rare in the general population with a frequency below the threshold expected for the associated phenotype(s). This variant is located in a functionally critical region of the protein. A different variant at the same position has been determined to be Pathogenic or Likely Pathogenic. Computational prediction algorithms indicate this variant is likely to affect gene or protein function. Given the available evidence, this variant is classified as Likely Pathogenic.

Fulgent Genetics
Classification: Likely pathogenic for Autosomal dominant Alport syndrome; Hematuria, benign familial, 2; Alport syndrome 3b, autosomal recessive. Last evaluated: 2024-06-19. Review status: criteria provided, single submitter. Criteria: ACMG Guidelines, 2015. Collection method: clinical testing. Allele origin: germline.

NM_000091.5(COL4A3):c.1595G>A (p.Gly532Asp)

Genes: COL4A3 (collagen type IV alpha 3 chain; plus strand), MFF-DT (MFF divergent transcript; minus strand). Cytogenetic location: 2q36.3.
Variant type: single nucleotide variant.
Coding change: c.1595G>A on transcript NM_000091.5 (MANE Select); coding-DNA position 1595, G replaced by A.
Protein change: p.Gly532Asp; replaces glycine 532 with aspartic acid.
Molecular consequence: missense variant.
Genome position (GRCh38, 1-based): chr2:227,270,789, G>A. VCF-style: chr2-227270789-G-A. GRCh37 (hg19) VCF-style: chr2-228135505-G-A.
Other names: short protein forms G532D.
Identifiers: ClinVar variation 3586026 (VCV003586026.2).